The following is an entry in ClinVar:

ClinVar aggregate classification (germline): Uncertain significance (1 of 4 stars; one submission).

Allele frequency attached by ClinVar (database versions not stated): gnomAD exomes below 0.00001.
gnomAD v4.1: 2 of 1,613,632 alleles (0.00012%); highest among the groups gnomAD compares: East Asian, 0.0045%; no homozygotes.

Submission:

Ambry Genetics
Classification: Uncertain significance. Last evaluated: 2024-09-23. Review status: criteria provided, single submitter. Criteria: Ambry Variant Classification Scheme 2023. Collection method: clinical testing. Allele origin: germline.
Comment: The p.F445V variant (also known as c.1333T>G), located in coding exon 7 of the GALNT12 gene, results from a T to G substitution at nucleotide position 1333. The phenylalanine at codon 445 is replaced by valine, an amino acid with highly similar properties. This amino acid position is conserved. In addition, this alteration is predicted to be tolerated by in silico analysis. Since supporting evidence is limited at this time, the clinical significance of this alteration remains unclear.

NM_024642.5(GALNT12):c.1333T>G (p.Phe445Val)

Gene: GALNT12 (polypeptide N-acetylgalactosaminyltransferase 12; plus strand). Cytogenetic location: 9q22.33.
Variant type: single nucleotide variant.
Coding change: c.1333T>G on transcript NM_024642.5 (MANE Select); coding-DNA position 1333, T replaced by G.
Protein change: p.Phe445Val; replaces phenylalanine 445 with valine.
Molecular consequence: missense variant.
Genome position (GRCh38, 1-based): chr9:98,840,122, T>G. VCF-style: chr9-98840122-T-G. GRCh37 (hg19) VCF-style: chr9-101602404-T-G.
Other names: short protein forms F445V.
Identifiers: ClinVar variation 1770205 (VCV001770205.3), dbSNP rs1836251705, ClinGen allele CA374221139.